The following is an entry in ClinVar:

NM_004006.3(DMD):c.9807+8275A>G

Gene: DMD (dystrophin; minus strand). Cytogenetic location: Xp21.2.
Variant type: single nucleotide variant.
Coding change: c.9807+8275A>G on transcript NM_004006.3 (MANE Select); 8275 bases into the intron after coding-DNA position 9807, A replaced by G.
Molecular consequence: intron variant.
Genome position (GRCh38, 1-based): chrX:31,195,686, T>C on the plus strand (A>G on the coding strand, the complement: DMD is on the minus strand). VCF-style: chrX-31195686-T-C. GRCh37 (hg19) VCF-style: chrX-31213803-T-C.
Other names: c.9783+8275A>G (NM_000109.4); c.5784+8275A>G (NM_004011.4); c.5775+8275A>G (NM_004012.4); c.2427+8275A>G (NM_004023.3, NM_004020.4, NM_004022.3 and 2 more transcripts); c.1620+8275A>G (NM_004014.3); c.603+8275A>G (NM_004018.3, NM_004017.3, NM_004016.3 and 2 more transcripts); c.9795+8275A>G (NM_004009.3); c.9438+8275A>G (NM_004010.3).
Identifiers: ClinVar variation 5037875 (VCV005037875.1), dbSNP rs5972333.

ClinVar aggregate classification (germline): Benign (1 of 4 stars; one submission).

Submission:

Molecular Diagnostic Laboratory for Inherited Cardiovascular Disease, Montreal Heart Institute
Classification: Benign. Last evaluated: 2026-09-21. Review status: criteria provided, single submitter. Criteria: ACMG Guidelines, 2015. Collection method: clinical testing. Allele origin: germline. Affected: no.
Comment: BA1